The following is an entry in ClinVar:

ClinVar aggregate classification (germline): Uncertain significance. Review status: criteria provided, multiple submitters, no conflicts (2 of 4 stars). 2 submissions from 2 submitters: Uncertain significance (2). Last evaluated 2024-01-22.

Conditions:
Choanal atresia-athelia-hypothyroidism-delayed puberty-short stature syndrome (BCAHH). Also called: BRANCHIAL ARCH ABNORMALITIES, CHOANAL ATRESIA, ATHELIA, HEARING LOSS, AND HYPOTHYROIDISM SYNDROME. Identifiers: Orphanet 589856, MedGen C5680310, MONDO:0035651, OMIM 620186.
Kabuki syndrome 1 (KABUK1). Also called: KMT2D-Related Kabuki Syndrome. Identifiers: Orphanet 2322, MedGen CN030661, MONDO:0007843, OMIM 147920.
Kabuki syndrome. Also called: Kabuki make-up syndrome; NIIKAWA-KUROKI SYNDROME. Identifiers: Orphanet 2322, MedGen C0796004, MONDO:0016512.

Submissions (2):

Labcorp Genetics (formerly Invitae), Labcorp
Classification: Uncertain significance for Kabuki syndrome. Last evaluated: 2024-01-22. Review status: criteria provided, single submitter. Criteria: Invitae Variant Classification Sherloc (09022015). Collection method: clinical testing. Allele origin: germline.
Comment: This variant, c.8126_8134dup, results in the insertion of 3 amino acid(s) of the KMT2D protein (p.Ala2709_Ala2711dup), but otherwise preserves the integrity of the reading frame. This variant is present in population databases (no rsID available, gnomAD 0.003%). This variant has not been reported in the literature in individuals affected with KMT2D-related conditions. In summary, the available evidence is currently insufficient to determine the role of this variant in disease. Therefore, it has been classified as a Variant of Uncertain Significance.

Fulgent Genetics
Classification: Uncertain significance for Kabuki syndrome 1; Choanal atresia-athelia-hypothyroidism-delayed puberty-short stature syndrome. Last evaluated: 2024-01-08. Review status: criteria provided, single submitter. Criteria: ACMG Guidelines, 2015. Collection method: clinical testing. Allele origin: germline.

NM_003482.4(KMT2D):c.8117CAGCTGCAG[3] (p.Ala2711_Gly2712insAlaAlaAla)

Gene: KMT2D (lysine methyltransferase 2D; minus strand). Cytogenetic location: 12q13.12.
Variant type: Microsatellite.
Coding change: c.8117CAGCTGCAG[3] on transcript NM_003482.4 (MANE Select); three copies in a row of the 9-base unit CAGCTGCAG starting at c.8117; the reference has two copies in a row; one copy, 9 bases duplicated; also written c.8126_8134dup.
Protein change: p.Ala2711_Gly2712insAlaAlaAla.
Molecular consequence: inframe insertion.
Genome position (GRCh38, 1-based): chr12:49,039,530-49,039,538, CTGCAGCTG duplicated on the plus strand (CAGCTGCAG on the coding strand, the reverse complement: KMT2D is on the minus strand); duplicating any 9 consecutive bases within chr12:49,039,530-49,039,547 gives the same sequence; the position shown is the placement nearest the transcript's 3' end. VCF-style (leftmost placement, unchanged base first): chr12-49039529-C-CCTGCAGCTG. GRCh37 (hg19) VCF-style: chr12-49433312-C-CCTGCAGCTG.
Other names: c.8126_8134dup (NM_003482.4).
Identifiers: ClinVar variation 2983431 (VCV002983431.4), dbSNP rs1255720605, ClinGen allele CA605233704.